The following is an entry in ClinVar:

NM_001369.3(DNAH5):c.6007G>A (p.Val2003Ile)

Gene: DNAH5 (dynein axonemal heavy chain 5; minus strand). Cytogenetic location: 5p15.2.
Variant type: single nucleotide variant.
Coding change: c.6007G>A on transcript NM_001369.3 (MANE Select); coding-DNA position 6007, G replaced by A.
Protein change: p.Val2003Ile; replaces valine 2003 with isoleucine.
Molecular consequence: missense variant.
Genome position (GRCh38, 1-based): chr5:13,830,651, C>T on the plus strand (G>A on the coding strand, the complement: DNAH5 is on the minus strand). VCF-style: chr5-13830651-C-T. GRCh37 (hg19) VCF-style: chr5-13830760-C-T.
Other names: short protein forms V2003I.
Identifiers: ClinVar variation 1486021 (VCV001486021.5), dbSNP rs776402895, ClinGen allele CA3203509.

ClinVar aggregate classification (germline): Uncertain significance (1 of 4 stars; one submission).

Conditions:
Primary ciliary dyskinesia. Also called: Ciliary dyskinesia. Identifiers: Orphanet 244, MedGen C0008780, MONDO:0016575, HP:0012265.

Allele frequency attached by ClinVar (database versions not stated): gnomAD 0.00003 and 0.00004; TOPMed 0.00003; ExAC 0.00001; gnomAD exomes 0.00002.
gnomAD v4.1: 82 of 1,614,060 alleles (0.0051%); highest among the groups gnomAD compares: Non-Finnish European, 0.0068%; no homozygotes.

Submission:

Labcorp Genetics (formerly Invitae), Labcorp
Classification: Uncertain significance for Primary ciliary dyskinesia. Last evaluated: 2021-09-17. Review status: criteria provided, single submitter. Criteria: Invitae Variant Classification Sherloc (09022015). Collection method: clinical testing. Allele origin: germline.
Comment: This sequence change replaces valine with isoleucine at codon 2003 of the DNAH5 protein (p.Val2003Ile). The valine residue is highly conserved and there is a small physicochemical difference between valine and isoleucine. This variant is present in population databases (rs776402895, ExAC 0.001%). This variant has not been reported in the literature in individuals with DNAH5-related disease. Algorithms developed to predict the effect of missense changes on protein structure and function are either unavailable or do not agree on the potential impact of this missense change (SIFT: "Deleterious"; PolyPhen-2: "Benign"; Align-GVGD: "Class C0"). In summary, the available evidence is currently insufficient to determine the role of this variant in disease. Therefore, it has been classified as a Variant of Uncertain Significance.